The following is an entry in ClinVar:

NM_006852.6(TLK2):c.1375G>T (p.Asp459Tyr)

Gene: TLK2 (tousled like kinase 2; plus strand). Cytogenetic location: 17q23.2.
Variant type: single nucleotide variant.
Coding change: c.1375G>T on transcript NM_006852.6 (MANE Select); coding-DNA position 1375, G replaced by T.
Protein change: p.Asp459Tyr; replaces aspartic acid 459 with tyrosine.
Molecular consequence: missense variant.
Genome position (GRCh38, 1-based): chr17:62,586,141, G>T. VCF-style: chr17-62586141-G-T. GRCh37 (hg19) VCF-style: chr17-60663502-G-T.
Other names: c.1441G>T, p.Asp481Tyr (NM_001284333.3); c.1279G>T, p.Asp427Tyr (NM_001284363.1, NM_001375272.1); c.928G>T, p.Asp310Tyr (NM_001330418.3, NM_001375273.1); c.1417G>T, p.Asp473Tyr (NM_001375269.1); c.1375G>T, p.Asp459Tyr (NM_001375270.1, NM_001375271.1); short protein forms D310Y, D427Y, D459Y, D473Y, D481Y.
Identifiers: ClinVar variation 1326664 (VCV001326664.2), dbSNP rs2146901398, ClinGen allele CA400505996.

ClinVar aggregate classification (germline): Uncertain significance (1 of 4 stars; one submission).

Submission:

GeneDx
Classification: Uncertain significance. Last evaluated: 2021-05-26. Review status: criteria provided, single submitter. Criteria: GeneDx Variant Classification Process June 2021. Collection method: clinical testing. Allele origin: germline. Affected: yes.
Comment: Not observed at significant frequency in large population cohorts (Lek et al., 2016); In silico analysis supports that this missense variant has a deleterious effect on protein structure/function; In silico analysis, which includes splice predictors and evolutionary conservation, suggests this variant may impact gene splicing. In the absence of RNA/functional studies, the actual effect of this sequence change is unknown.; Has not been previously published as pathogenic or benign to our knowledge